The following is an entry in ClinVar:

ClinVar aggregate classification (germline): Uncertain significance (1 of 4 stars; one submission).

Allele frequency attached by ClinVar (database versions not stated): gnomAD exomes 0.00001.
gnomAD v4.1: 4 of 1,614,048 alleles (0.00025%); highest among the groups gnomAD compares: Non-Finnish European, 0.00034%; no homozygotes.

Submission:

Laboratory for Molecular Medicine, Mass General Brigham Personalized Medicine
Classification: Uncertain significance. Last evaluated: 2017-10-24. Review status: criteria provided, single submitter. Criteria: LMM Criteria. Collection method: clinical testing. Allele origin: germline. Observed: 1 variant allele.
Comment: The p.Asn2323Lys variant in MYO15A has not been previously reported in individua ls with hearing loss or in large population studies. Computational prediction to ols and conservation analysis do not provide strong support for or against an im pact to the protein. In summary, the clinical significance of the p.Asn2323Lys v ariant is uncertain. ACMG/AMP Criteria applied: PM2 (Richards 2015).

NM_016239.4(MYO15A):c.6969C>G (p.Asn2323Lys)

Gene: MYO15A (myosin XVA; plus strand). Cytogenetic location: 17p11.2.
Variant type: single nucleotide variant.
Coding change: c.6969C>G on transcript NM_016239.4 (MANE Select); coding-DNA position 6969, C replaced by G.
Protein change: p.Asn2323Lys; replaces asparagine 2323 with lysine.
Molecular consequence: missense variant.
Genome position (GRCh38, 1-based): chr17:18,149,228, C>G. VCF-style: chr17-18149228-C-G. GRCh37 (hg19) VCF-style: chr17-18052542-C-G.
Other names: short protein forms N2323K.
Identifiers: ClinVar variation 517607 (VCV000517607.4), dbSNP rs1555545724, ClinGen allele CA398613750.
Genomic context (GRCh38, chr17:18,149,228, plus strand): 5'-CTGGGATCTCTCTGGGGGTCAGTAGCTCCATGTTCCTTTTCTCCACAGGGTGTTTGGGAA[C>G]AGCTGGGACTCGGATGAGGACATGTCCACTAGACCCCAGCCCCAGGAGCACATGCCCAAA-3'
Protein context (NP_057323.3, residues 2313-2333): SRGGPKVVFG[Asn2323Lys]SWDSDEDMST